The following is an entry in ClinVar:

ClinVar aggregate classification (germline): Uncertain significance (1 of 4 stars; one submission).

Conditions:
Cardiovascular phenotype. Identifiers: MedGen CN230736.

Submission:

Ambry Genetics
Classification: Uncertain significance for Cardiovascular phenotype. Last evaluated: 2023-04-16. Review status: criteria provided, single submitter. Criteria: Ambry Variant Classification Scheme 2023. Collection method: clinical testing. Allele origin: germline.
Comment: The p.G145R variant (also known as c.433G>C), located in coding exon 3 of the PRKAG2 gene, results from a G to C substitution at nucleotide position 433. The glycine at codon 145 is replaced by arginine, an amino acid with dissimilar properties. This amino acid position is conserved. In addition, this alteration is predicted to be deleterious by in silico analysis. Since supporting evidence is limited at this time, the clinical significance of this alteration remains unclear.

NM_016203.4(PRKAG2):c.433G>C (p.Gly145Arg)

Gene: PRKAG2 (protein kinase AMP-activated non-catalytic subunit gamma 2; minus strand). Cytogenetic location: 7q36.1.
Variant type: single nucleotide variant.
Coding change: c.433G>C on transcript NM_016203.4 (MANE Select); coding-DNA position 433, G replaced by C.
Protein change: p.Gly145Arg; replaces glycine 145 with arginine.
Molecular consequence: missense variant. On other transcripts: intron variant (1).
Genome position (GRCh38, 1-based): chr7:151,781,185, C>G on the plus strand (G>C on the coding strand, the complement: PRKAG2 is on the minus strand). VCF-style: chr7-151781185-C-G. GRCh37 (hg19) VCF-style: chr7-151478271-C-G.
Other names: c.301G>C, p.Gly101Arg (NM_001040633.2, NM_001407024.1, NM_001407026.1 and 2 more transcripts); c.433G>C, p.Gly145Arg (NM_001407021.1, NM_001407022.1, NM_001407023.1 and 2 more transcripts); c.148+33231G>C (NM_001407032.1); short protein forms G145R, G101R.
Identifiers: ClinVar variation 2567232 (VCV002567232.2), dbSNP rs886062101, ClinGen allele CA370069281.